The following is an entry in ClinVar:

NM_006231.4(POLE):c.1673del (p.Cys558fs)

Gene: POLE (DNA polymerase epsilon, catalytic subunit; minus strand). Cytogenetic location: 12q24.33.
Variant type: Deletion.
Coding change: c.1673del on transcript NM_006231.4 (MANE Select); coding-DNA position 1673, one base deleted (G; older notation c.1673delG).
Protein change: p.Cys558fs; shifts the reading frame from cysteine 558.
Molecular consequence: frameshift variant.
Genome position (GRCh38, 1-based): chr12:132,672,640, C deleted on the plus strand (G on the coding strand, the reverse complement: POLE is on the minus strand). VCF-style (leftmost placement, unchanged base first): chr12-132672639-GC-G. GRCh37 (hg19) VCF-style: chr12-133249225-GC-G.
Other names: short protein forms C558fs.
Identifiers: ClinVar variation 405813 (VCV000405813.10), dbSNP rs1060500859, ClinGen allele CA16613882.

ClinVar aggregate classification (germline): Pathogenic (1 of 4 stars; one submission).

Submission:

Labcorp Genetics (formerly Invitae), Labcorp
Classification: Pathogenic. Last evaluated: 2023-04-24. Review status: criteria provided, single submitter. Criteria: Invitae Variant Classification Sherloc (09022015). Collection method: clinical testing. Allele origin: germline.
Comment: For these reasons, this variant has been classified as Pathogenic. ClinVar contains an entry for this variant (Variation ID: 405813). This variant has not been reported in the literature in individuals affected with POLE-related conditions. This variant is not present in population databases (gnomAD no frequency). This sequence change creates a premature translational stop signal (p.Cys558Serfs*5) in the POLE gene. It is expected to result in an absent or disrupted protein product. Loss-of-function variants in POLE are known to be pathogenic (PMID: 23230001, 25948378, 30503519).

Literature cited by the submitters: PubMed 23230001; PubMed 25948378; PubMed 30503519.